The following is an entry in ClinVar:

NM_001385125.1(OPN1SW):c.268G>A (p.Val90Ile)

Gene: OPN1SW (opsin 1, short wave sensitive; minus strand). Cytogenetic location: 7q32.1.
Variant type: single nucleotide variant.
Coding change: c.268G>A on transcript NM_001385125.1 (MANE Select); coding-DNA position 268, G replaced by A.
Protein change: p.Val90Ile; replaces valine 90 with isoleucine.
Molecular consequence: missense variant.
Genome position (GRCh38, 1-based): chr7:128,775,514, C>T on the plus strand (G>A on the coding strand, the complement: OPN1SW is on the minus strand). VCF-style: chr7-128775514-C-T. GRCh37 (hg19) VCF-style: chr7-128415568-C-T.
Other names: NM_001708.2:c.277G>A; short protein forms V90I.
Identifiers: ClinVar variation 1041228 (VCV001041228.9), dbSNP rs141305506, ClinGen allele CA4473009.
Genomic context (GRCh38, chr7:128,775,514, plus strand): 5'-GGAAGCCCTCCAAAGCACAAACATGGCGACCGAAGACGAAGTATCCGTTACAGCTGGCGA[C>T]GAAGACAGGGAAGACAGAGAAGATGCAGAGGAGGAAGCCTCCGAAGGACACGTTGACCAG-3'
Protein context (NP_001372054.1, residues 80-100): LCIFSVFPVF[Val90Ile]ASCNGYFVFG

ClinVar aggregate classification (germline): Conflicting classifications of pathogenicity. Review status: criteria provided, conflicting classifications (1 of 4 stars). 3 submissions from 3 submitters: Uncertain significance (2); Likely benign (1). Last evaluated 2026-01-26.

Conditions:
Blue color blindness. Also called: Tritanomaly; COLORBLINDNESS, TRITANOPIC; BLUE COLORBLINDNESS; COLORBLINDNESS, TRITAN. Identifiers: Orphanet 88629, MedGen C0155017, MONDO:0008610, OMIM 190900, HP:0000552.

Allele frequency attached by ClinVar (database versions not stated): ExAC 0.00012; gnomAD exomes 0.00013; 1000 Genomes Project 30x 0.00016; gnomAD 0.00017; TOPMed 0.00017; 1000 Genomes Project 0.00020; ESP Exome Variant Server 0.00031.
gnomAD v4.1: 409 of 1,613,964 alleles (0.025%); highest among the groups gnomAD compares: Non-Finnish European, 0.03%; no homozygotes.

Submissions (3):

Labcorp Genetics (formerly Invitae), Labcorp
Classification: Uncertain significance. Last evaluated: 2026-01-26. Review status: criteria provided, single submitter. Criteria: Invitae Variant Classification Sherloc (09022015). Collection method: clinical testing. Allele origin: germline.
Comment: This sequence change replaces valine, which is neutral and non-polar, with isoleucine, which is neutral and non-polar, at codon 93 of the OPN1SW protein (p.Val93Ile). This variant is present in population databases (rs141305506, gnomAD 0.02%). This variant has not been reported in the literature in individuals affected with OPN1SW-related conditions. ClinVar contains an entry for this variant (Variation ID: 1041228). An algorithm developed to predict the effect of missense changes on protein structure and function outputs the following: PolyPhen-2: "Benign". The isoleucine amino acid residue is found in multiple mammalian species, which suggests that this missense change does not adversely affect protein function. In summary, the available evidence is currently insufficient to determine the role of this variant in disease. Therefore, it has been classified as a Variant of Uncertain Significance.

Ambry Genetics
Classification: Likely benign. Last evaluated: 2023-10-17. Review status: criteria provided, single submitter. Criteria: Ambry Variant Classification Scheme 2023. Collection method: clinical testing. Allele origin: germline.

Department of Pathology and Laboratory Medicine, Sinai Health System
Classification: Uncertain significance for Blue color blindness. Last evaluated: 2023-01-22. Review status: criteria provided, single submitter. Criteria: ACMG Guidelines, 2015. Collection method: research. Allele origin: germline.